The following is an entry in ClinVar:

ClinVar aggregate classification (germline): Uncertain significance. Review status: criteria provided, multiple submitters, no conflicts (2 of 4 stars). 4 submissions from 4 submitters: Uncertain significance (3). 1 of the submissions does not count toward it. Last evaluated 2025-12-24.

Conditions:
Hereditary cancer-predisposing syndrome. Also called: Hereditary neoplastic syndrome; Neoplastic Syndromes, Hereditary; Tumor predisposition; Hereditary Cancer Syndrome. Identifiers: Orphanet 140162, MedGen C0027672, MeSH D009386, MONDO:0015356.
Familial ovarian cancer. Identifiers: MedGen C5679802, MONDO:0016248.
Familial cancer of breast. Also called: Hereditary breast cancer; hereditary breast carcinoma; BREAST CANCER, FAMILIAL. Identifiers: Orphanet 227535, MedGen C0346153, MONDO:0016419, OMIM 114480. Disease mechanism: loss of function.
Fanconi anemia complementation group J. Also called: BRIP1-Related Fanconi Anemia. Identifiers: Orphanet 84, MedGen C1836860, MONDO:0012187, OMIM 609054.

gnomAD v4.1: 4 of 1,613,470 alleles (0.00025%); highest among the groups gnomAD compares: South Asian, 0.0044%; no homozygotes.

Submissions (4):

Labcorp Genetics (formerly Invitae), Labcorp
Classification: Uncertain significance for Familial cancer of breast; Fanconi anemia complementation group J. Last evaluated: 2025-12-24. Review status: criteria provided, single submitter. Criteria: Invitae Variant Classification Sherloc (09022015). Collection method: clinical testing. Allele origin: germline.
Comment: This sequence change replaces arginine, which is basic and polar, with leucine, which is neutral and non-polar, at codon 707 of the BRIP1 protein (p.Arg707Leu). This variant is present in population databases (rs200313471, gnomAD 0.007%). This variant has not been reported in the literature in individuals affected with BRIP1-related conditions. ClinVar contains an entry for this variant (Variation ID: 407855). Invitae Evidence Modeling of protein sequence and biophysical properties (such as structural, functional, and spatial information, amino acid conservation, physicochemical variation, residue mobility, and thermodynamic stability) has been performed for this missense variant. However, the output from this modeling did not meet the statistical confidence thresholds required to predict the impact of this variant on BRIP1 protein function. In summary, the available evidence is currently insufficient to determine the role of this variant in disease. Therefore, it has been classified as a Variant of Uncertain Significance.

Ambry Genetics
Classification: Uncertain significance for Hereditary cancer-predisposing syndrome. Last evaluated: 2024-05-21. Review status: criteria provided, single submitter. Criteria: Ambry Variant Classification Scheme 2023. Collection method: clinical testing. Allele origin: germline.
Comment: The p.R707L variant (also known as c.2120G>T), located in coding exon 14 of the BRIP1 gene, results from a G to T substitution at nucleotide position 2120. The arginine at codon 707 is replaced by leucine, an amino acid with dissimilar properties. This amino acid position is highly conserved in available vertebrate species. In addition, this alteration is predicted to be deleterious by in silico analysis. Based on the available evidence, the clinical significance of this variant remains unclear.

Color Diagnostics, LLC DBA Color Health
Classification: Uncertain significance for Hereditary cancer-predisposing syndrome. Last evaluated: 2022-12-06. Review status: criteria provided, single submitter. Criteria: ACMG Guidelines, 2015. Collection method: clinical testing. Allele origin: germline.
Comment: This missense variant replaces arginine with leucine at codon 707 of the BRIP1 protein. Computational prediction suggests that this variant may have deleterious impact on protein structure and function (internally defined REVEL score threshold >= 0.7, PMID: 27666373). To our knowledge, functional studies have not been reported for this variant. This variant has not been reported in individuals affected with BRIP1-related disorders in the literature. This variant has been identified in 2/251066 chromosomes in the general population by the Genome Aggregation Database (gnomAD). The available evidence is insufficient to determine the role of this variant in disease conclusively. Therefore, this variant is classified as a Variant of Uncertain Significance.

Department of Pathology and Laboratory Medicine, Sinai Health System
Classification: Uncertain significance for Familial ovarian cancer. Review status: no assertion criteria provided. Collection method: clinical testing. Allele origin: unknown. Affected: yes. Observed: 1 variant allele. Study: The Canadian Open Genetics Repository (COGR). Not counted in ClinVar's aggregate classification.
Comment: The BRIP1 p.Arg707Leu variant was not identified in the literature nor was it identified in the Cosmic, MutDB, or the Zhejiang University Database. The variant was identified in dbSNP (ID: rs200313471) as â€šÃ„ÃºWith Uncertain significance allele", and in ClinVar (classified as uncertain significance by Invitae and Color Genomics). The variant was identified in control databases in 2 of 245882 chromosomes at a frequency of 0.00001 (Genome Aggregation Database Feb 27, 2017). The variant was observed in the South Asian population in 2 of 30764 chromosomes (freq: 0.0001), but not in the African, Other, Latino, European, Ashkenazi Jewish, East Asian, and Finnish populations. The p.Arg707 residue is conserved in mammals and computational analyses (PolyPhen-2, SIFT, AlignGVGD, BLOSUM, MutationTaster) provide inconsistent predictions regarding the impact to the protein; this information is not very predictive of pathogenicity. The variant occurs outside of the splicing consensus sequence and 1 of 5 in silico or computational prediction software programs (SpliceSiteFinder, MaxEntScan, NNSPLICE, GeneSplicer, HumanSpliceFinder) predict a greater than 10% difference in splicing; this is not very predictive of pathogenicity. In summary, based on the above information the clinical significance of this variant cannot be determined with certainty at this time. This variant is classified as a variant of uncertain significance.

NM_032043.3(BRIP1):c.2120G>T (p.Arg707Leu)

Gene: BRIP1 (BRCA1 interacting DNA helicase 1; minus strand). Cytogenetic location: 17q23.2.
Variant type: single nucleotide variant.
Coding change: c.2120G>T on transcript NM_032043.3 (MANE Select); coding-DNA position 2120, G replaced by T.
Protein change: p.Arg707Leu; replaces arginine 707 with leucine.
Molecular consequence: missense variant.
Genome position (GRCh38, 1-based): chr17:61,744,569, C>A on the plus strand (G>T on the coding strand, the complement: BRIP1 is on the minus strand). VCF-style: chr17-61744569-C-A. GRCh37 (hg19) VCF-style: chr17-59821930-C-A.
Other names: short protein forms R707L.
Identifiers: ClinVar variation 407855 (VCV000407855.18), dbSNP rs200313471, ClinGen allele CA8690585.
Genomic context (GRCh38, chr17:61,744,569, plus strand): 5'-GGTTCTACAATGACTGTCTTCACCAACTCCAGATTATGCCATAAACCAGTAGAGAGCCAA[C>A]GTTCTTTTAATTTTTCTAATAACTAAAGAGGGGAAAGAAAAAAATGATTTTTTGTGTGTC-3'
Protein context (NP_114432.2, residues 697-717): SYKLLEKLKE[Arg707Leu]WLSTGLWHNL